The following is an entry in ClinVar:

ClinVar aggregate classification (germline): Uncertain significance (1 of 4 stars; one submission).

Conditions:
MHC class II deficiency. Also called: Bare lymphocyte syndrome 2; BLS, TYPE II. Identifiers: Orphanet 572, MedGen C5447452, MONDO:0008855.

Submission:

Labcorp Genetics (formerly Invitae), Labcorp
Classification: Uncertain significance for MHC class II deficiency. Last evaluated: 2022-05-30. Review status: criteria provided, single submitter. Criteria: Invitae Variant Classification Sherloc (09022015). Collection method: clinical testing. Allele origin: germline.
Comment: This variant has not been reported in the literature in individuals affected with RFXAP-related conditions. Algorithms developed to predict the effect of missense changes on protein structure and function are either unavailable or do not agree on the potential impact of this missense change (SIFT: "Deleterious"; PolyPhen-2: "Probably Damaging"; Align-GVGD: "Class C0"). In summary, the available evidence is currently insufficient to determine the role of this variant in disease. Therefore, it has been classified as a Variant of Uncertain Significance. This variant is not present in population databases (gnomAD no frequency). This sequence change replaces glycine, which is neutral and non-polar, with arginine, which is basic and polar, at codon 100 of the RFXAP protein (p.Gly100Arg).

NM_000538.4(RFXAP):c.298G>A (p.Gly100Arg)

Gene: RFXAP (regulatory factor X associated protein; plus strand). Cytogenetic location: 13q13.3.
Variant type: single nucleotide variant.
Coding change: c.298G>A on transcript NM_000538.4 (MANE Select); coding-DNA position 298, G replaced by A.
Protein change: p.Gly100Arg; replaces glycine 100 with arginine.
Molecular consequence: missense variant.
Genome position (GRCh38, 1-based): chr13:36,819,655, G>A. VCF-style: chr13-36819655-G-A. GRCh37 (hg19) VCF-style: chr13-37393792-G-A.
Other names: short protein forms G100R.
Identifiers: ClinVar variation 2116025 (VCV002116025.4), dbSNP rs774581579, ClinGen allele CA387854589.
Genomic context (GRCh38, chr13:36,819,655, plus strand): 5'-GATGGCGAAGAGGAGGCTGGGGAGGACGAGGCGGACCTGTTAGACACTTCGGACCCTCCG[G>A]GGGGAGGCGAGAGCGCGGCTAGTTTGGAGGATCTAGAGGACGAGGAGACTCACTCGGGGG-3'
Protein context (NP_000529.1, residues 90-110): ADLLDTSDPP[Gly100Arg]GGESAASLED